The following is an entry in ClinVar:

NM_032608.7(MYO18B):c.6340G>A (p.Val2114Ile)

Gene: MYO18B (myosin XVIIIB; plus strand). Cytogenetic location: 22q12.1.
Variant type: single nucleotide variant.
Coding change: c.6340G>A on transcript NM_032608.7 (MANE Select); coding-DNA position 6340, G replaced by A.
Protein change: p.Val2114Ile; replaces valine 2114 with isoleucine.
Molecular consequence: missense variant.
Genome position (GRCh38, 1-based): chr22:26,004,725, G>A. VCF-style: chr22-26004725-G-A. GRCh37 (hg19) VCF-style: chr22-26400691-G-A.
Other names: c.6343G>A, p.Val2115Ile (NM_001318245.2); short protein forms V2114I, V2115I.
Identifiers: ClinVar variation 2179403 (VCV002179403.4), dbSNP rs747128430, ClinGen allele CA10161505.

ClinVar aggregate classification (germline): Conflicting classifications of pathogenicity. Review status: criteria provided, conflicting classifications (1 of 4 stars). 2 submissions from 2 submitters: Uncertain significance (1); Likely benign (1). Last evaluated 2025-05-19.

Allele frequency attached by ClinVar (database versions not stated): gnomAD 0.00001; TOPMed 0.00001; gnomAD exomes 0.00002; ExAC 0.00015.
gnomAD v4.1: 40 of 1,613,476 alleles (0.0025%); highest among the groups gnomAD compares: South Asian, 0.0033%; no homozygotes.

Submissions (2):

Labcorp Genetics (formerly Invitae), Labcorp
Classification: Uncertain significance. Last evaluated: 2025-05-19. Review status: criteria provided, single submitter. Criteria: Invitae Variant Classification Sherloc (09022015). Collection method: clinical testing. Allele origin: germline.
Comment: This sequence change replaces valine, which is neutral and non-polar, with isoleucine, which is neutral and non-polar, at codon 2114 of the MYO18B protein (p.Val2114Ile). This variant is present in population databases (rs747128430, gnomAD 0.02%). This variant has not been reported in the literature in individuals affected with MYO18B-related conditions. ClinVar contains an entry for this variant (Variation ID: 2179403). An algorithm developed to predict the effect of missense changes on protein structure and function outputs the following: PolyPhen-2: "Benign". The isoleucine amino acid residue is found in multiple mammalian species, which suggests that this missense change does not adversely affect protein function. In summary, the available evidence is currently insufficient to determine the role of this variant in disease. Therefore, it has been classified as a Variant of Uncertain Significance.

Blueprint Genetics
Classification: Likely benign. Last evaluated: 2023-05-18. Review status: criteria provided, single submitter. Criteria: ACMG Guidelines, 2015. Collection method: clinical testing. Allele origin: germline.